The following is an entry in ClinVar:

NM_018006.5(TRMU):c.1082G>A (p.Arg361His)

Gene: TRMU (tRNA mitochondrial 2-thiouridylase; plus strand). Cytogenetic location: 22q13.31.
Variant type: single nucleotide variant.
Coding change: c.1082G>A on transcript NM_018006.5 (MANE Select); coding-DNA position 1082, G replaced by A.
Protein change: p.Arg361His; replaces arginine 361 with histidine.
Molecular consequence: missense variant. On other transcripts: non-coding transcript variant (2), intron variant (2).
Genome position (GRCh38, 1-based): chr22:46,356,053, G>A. VCF-style: chr22-46356053-G-A. GRCh37 (hg19) VCF-style: chr22-46751950-G-A.
Other names: c.*526G>A (NM_001008568.2); c.*620G>A (NM_001008570.2); c.740G>A, p.Arg247His (NM_001282782.2); c.662G>A, p.Arg221His (NM_001282783.2); c.1018+465G>A (NM_001282785.2); c.598+465G>A (NM_001282784.2); short protein forms R221H, R361H, R247H.
Identifiers: ClinVar variation 2509498 (VCV002509498.3), dbSNP rs780314819, ClinGen allele CA10292401.

ClinVar aggregate classification (germline): Conflicting classifications of pathogenicity. Review status: criteria provided, conflicting classifications (1 of 4 stars). 2 submissions from 2 submitters: Uncertain significance (1); Likely benign (1). Last evaluated 2023-06-07.

Conditions:
Inborn genetic diseases. Identifiers: MedGen C0950123, MeSH D030342.
TRMU-related disorder. Also called: TRMU-related condition.

Allele frequency attached by ClinVar (database versions not stated): gnomAD 0.00001; TOPMed 0.00002; ExAC 0.00004.
gnomAD v4.1: 44 of 1,613,762 alleles (0.0027%); highest among the groups gnomAD compares: Admixed American, 0.018%; no homozygotes.

Submissions (2):

Ambry Genetics
Classification: Likely benign for Inborn genetic diseases. Last evaluated: 2023-06-07. Review status: criteria provided, single submitter. Criteria: Ambry Variant Classification Scheme 2023. Collection method: clinical testing. Allele origin: germline.

PreventionGenetics, part of Exact Sciences
Classification: Uncertain significance for TRMU-related condition. Last evaluated: 2022-09-16. Review status: criteria provided, single submitter. Criteria: ACMG Guidelines, 2015. Collection method: clinical testing. Allele origin: germline.
Comment: The TRMU c.1082G>A variant is predicted to result in the amino acid substitution p.Arg361His. To our knowledge, this variant has not been reported in the literature. This variant is reported in 0.026% of alleles in individuals of Latino descent in gnomAD. At this time, the clinical significance of this variant is uncertain due to the absence of conclusive functional and genetic evidence.